The following is an entry in ClinVar:

NM_002335.4(LRP5):c.3016G>A (p.Asp1006Asn)

Gene: LRP5 (LDL receptor related protein 5; plus strand). Cytogenetic location: 11q13.2.
Variant type: single nucleotide variant.
Coding change: c.3016G>A on transcript NM_002335.4 (MANE Select); coding-DNA position 3016, G replaced by A.
Protein change: p.Asp1006Asn; replaces aspartic acid 1006 with asparagine.
Molecular consequence: missense variant.
Genome position (GRCh38, 1-based): chr11:68,416,516, G>A. VCF-style: chr11-68416516-G-A. GRCh37 (hg19) VCF-style: chr11-68183984-G-A.
Other names: c.1273G>A, p.Asp425Asn (NM_001291902.2); c.3016G>A (NM_002335.3); short protein forms D1006N, D425N.
Identifiers: ClinVar variation 1060896 (VCV001060896.9), dbSNP rs147758521, ClinGen allele CA6149807.

ClinVar aggregate classification (germline): Uncertain significance. Review status: criteria provided, multiple submitters, no conflicts (2 of 4 stars). 4 submissions from 4 submitters: Uncertain significance (4). Last evaluated 2026-04-01.

Conditions:
Autosomal dominant osteopetrosis 1 (OPTA1). Also called: OSTEOPETROSIS, AUTOSOMAL DOMINANT, TYPE I. Identifiers: Orphanet 2783, MedGen C1843330, MONDO:0011877, OMIM 607634.
Polycystic liver disease 4 with or without kidney cysts. Identifiers: MedGen C4693479, MONDO:0044327, OMIM 617875.
Osteoporosis with pseudoglioma (OPPG). Also called: osteoporosis-pseudoglioma syndrome. Identifiers: Orphanet 2788, MedGen C0432252, MONDO:0009820, OMIM 259770.
Worth disease. Also called: ENDOSTEAL HYPEROSTOSIS, AUTOSOMAL DOMINANT; Autosomal dominant osteosclerosis, Worth type; OSTEOSCLEROSIS, AUTOSOMAL DOMINANT. Identifiers: Orphanet 2790, MedGen C0432273, MONDO:0007764, OMIM 144750.
Exudative vitreoretinopathy 4 (EVR4). Identifiers: Orphanet 891, MedGen C1866176, MONDO:0011151, OMIM 601813.
Bone mineral density quantitative trait locus 1 (BMND1). Identifiers: MedGen C1866079, OMIM 601884.
LRP5-related disorder. Also called: LRP5-related condition.

Allele frequency attached by ClinVar (database versions not stated): TOPMed 0.00005; ESP Exome Variant Server 0.00015; 1000 Genomes Project 0.00020; gnomAD exomes 0.00021; 1000 Genomes Project 30x 0.00031.
gnomAD v4.1: 314 of 1,613,870 alleles (0.019%); highest among the groups gnomAD compares: Non-Finnish European, 0.025%; no homozygotes.

Submissions (4):

PreventionGenetics, part of Exact Sciences
Classification: Uncertain significance for LRP5-related condition. Last evaluated: 2026-04-01. Review status: criteria provided, single submitter. Criteria: ACMG Guidelines, 2015. Collection method: clinical testing. Allele origin: germline.
Comment: The LRP5 c.3016G>A variant is predicted to result in the amino acid substitution p.Asp1006Asn. This variant has been reported in the heterozygous state in an individual with familial exudative vitreoretinopathy (FEVR) or inherited retinal disease (Qu et al. 2022. PubMed ID: 35876299; Supplementary table, Li et al. 2023. PubMed ID: 36729443). It has also been reported along with a frameshift variant in the same gene in an individual with multiple systemic features, including osteoporosis (Table E3, Similuk et al. 2022. PubMed ID: 35753512). This variant is reported in 0.016% of alleles in individuals of African descent in gnomAD. At this time, the clinical significance of this variant is uncertain due to the absence of conclusive functional and genetic evidence.

Labcorp Genetics (formerly Invitae), Labcorp
Classification: Uncertain significance. Last evaluated: 2025-03-16. Review status: criteria provided, single submitter. Criteria: Invitae Variant Classification Sherloc (09022015). Collection method: clinical testing. Allele origin: germline.
Comment: This sequence change replaces aspartic acid, which is acidic and polar, with asparagine, which is neutral and polar, at codon 1006 of the LRP5 protein (p.Asp1006Asn). This variant is present in population databases (rs147758521, gnomAD 0.02%). This missense change has been observed in individual(s) with clinical features of LRP5-related conditions (PMID: 35753512, 35876299). ClinVar contains an entry for this variant (Variation ID: 1060896). Invitae Evidence Modeling of protein sequence and biophysical properties (such as structural, functional, and spatial information, amino acid conservation, physicochemical variation, residue mobility, and thermodynamic stability) indicates that this missense variant is not expected to disrupt LRP5 protein function with a negative predictive value of 95%. In summary, the available evidence is currently insufficient to determine the role of this variant in disease. Therefore, it has been classified as a Variant of Uncertain Significance.

Blueprint Genetics
Classification: Uncertain significance. Last evaluated: 2024-08-05. Review status: criteria provided, single submitter. Criteria: ACMG Guidelines, 2015. Collection method: clinical testing. Allele origin: germline.

Fulgent Genetics
Classification: Uncertain significance for Worth disease; Osteoporosis with pseudoglioma; Exudative vitreoretinopathy 4; Bone mineral density quantitative trait locus 1; Autosomal dominant osteopetrosis 1; Polycystic liver disease 4 with or without kidney cysts. Last evaluated: 2024-04-18. Review status: criteria provided, single submitter. Criteria: ACMG Guidelines, 2015. Collection method: clinical testing. Allele origin: germline.

Literature cited by the submitters: PubMed 35753512 (cited by Labcorp Genetics (formerly Invitae), Labcorp); PubMed 35876299 (cited by Labcorp Genetics (formerly Invitae), Labcorp).